The following is an entry in ClinVar:

NM_002386.4(MC1R):c.628A>G (p.Met210Val)

Gene: MC1R (melanocortin 1 receptor; plus strand). Cytogenetic location: 16q24.3.
Variant type: single nucleotide variant.
Coding change: c.628A>G on transcript NM_002386.4 (MANE Select); coding-DNA position 628, A replaced by G.
Protein change: p.Met210Val; replaces methionine 210 with valine.
Molecular consequence: missense variant.
Genome position (GRCh38, 1-based): chr16:89,919,886, A>G. VCF-style: chr16-89919886-A-G. GRCh37 (hg19) VCF-style: chr16-89986294-A-G.
Other names: short protein forms M210V.
Identifiers: ClinVar variation 886732 (VCV000886732.6), dbSNP rs749933929, ClinGen allele CA397462451.

ClinVar aggregate classification (germline): Uncertain significance. Review status: criteria provided, multiple submitters, no conflicts (2 of 4 stars). 3 submissions from 3 submitters: Uncertain significance (3). Last evaluated 2026-05-04.

Conditions:
Melanoma, cutaneous malignant, susceptibility to, 5. Also called: Cutaneous malignant melanoma 5. Identifiers: Orphanet 618, MedGen C2751295, MONDO:0013133, OMIM 613099.

Allele frequency attached by ClinVar (database versions not stated): gnomAD exomes 0.00001.

Submissions (3):

Ambry Genetics
Classification: Uncertain significance. Last evaluated: 2026-05-04. Review status: criteria provided, single submitter. Criteria: Ambry Variant Classification Scheme 2023. Collection method: clinical testing. Allele origin: germline.
Comment: The p.M210V variant (also known as c.628A>G), located in coding exon 1 of the MC1R gene, results from an A to G substitution at nucleotide position 628. The methionine at codon 210 is replaced by valine, an amino acid with highly similar properties. This amino acid position is conserved. In addition, the in silico prediction for this alteration is inconclusive. Based on the available evidence, the clinical significance of this variant remains unclear.

ARUP Laboratories, Molecular Genetics and Genomics, ARUP Laboratories
Classification: Uncertain significance. Last evaluated: 2024-08-06. Review status: criteria provided, single submitter. Criteria: ARUP Molecular Germline Variant Investigation Process 2024. Collection method: clinical testing. Allele origin: germline.
Comment: The MC1R c.628A>G; p.Met210Val variant (rs749933929), to our knowledge, is not reported in the medical literature but is reported in ClinVar (Variation ID: 886732). This variant is absent from the Genome Aggregation Database (v2.1.1), indicating it is not a common polymorphism. Computational analyses are uncertain whether this variant is neutral or deleterious (REVEL: 0.352). Due to limited information, the clinical significance of this variant is uncertain at this time.

Illumina Laboratory Services, Illumina
Classification: Uncertain significance for Melanoma, cutaneous malignant, susceptibility to, 5. Last evaluated: 2017-04-27. Review status: criteria provided, single submitter. Criteria: ICSL Variant Classification Criteria 13 December 2019. Collection method: clinical testing. Allele origin: germline.